The following is an entry in ClinVar:

ClinVar aggregate classification (germline): Uncertain significance (1 of 4 stars; one submission).

Conditions:
Congenital muscular hypertrophy-cerebral syndrome (CDLS2). Also called: SMC1A-Related Cornelia de Lange Syndrome; Cornelia de Lange syndrome 2. Identifiers: Orphanet 199, MedGen C1802395, MONDO:0010370, OMIM 300590.

Submission:

Baylor Genetics
Classification: Uncertain significance for Congenital muscular hypertrophy-cerebral syndrome. Last evaluated: 2017-09-01. Review status: criteria provided, single submitter. Criteria: ACMG Guidelines, 2015. Collection method: clinical testing. Allele origin: de novo. Inheritance: X-linked inheritance. Affected: yes.

Literature cited by the submitters: PubMed 30158690; PubMed 25326635.

NM_006306.4(SMC1A):c.140T>G (p.Phe47Cys)

Gene: SMC1A (structural maintenance of chromosomes 1A; minus strand). Cytogenetic location: Xp11.22.
Variant type: single nucleotide variant.
Coding change: c.140T>G on transcript NM_006306.4 (MANE Select); coding-DNA position 140, T replaced by G.
Protein change: p.Phe47Cys; replaces phenylalanine 47 with cysteine.
Molecular consequence: missense variant.
Genome position (GRCh38, 1-based): chrX:53,415,139, A>C on the plus strand (T>G on the coding strand, the complement: SMC1A is on the minus strand). VCF-style: chrX-53415139-A-C. GRCh37 (hg19) VCF-style: chrX-53442088-A-C.
Other names: c.74T>G, p.Phe25Cys (NM_001281463.1); short protein forms F25C, F47C.
Identifiers: ClinVar variation 523206 (VCV000523206.2), dbSNP rs1569359530, ClinGen allele CA413133027.